The following is an entry in ClinVar:

NM_000059.4(BRCA2):c.886T>C (p.Tyr296His)

Gene: BRCA2 (BRCA2 DNA repair associated; plus strand). Cytogenetic location: 13q13.1.
Variant type: single nucleotide variant.
Coding change: c.886T>C on transcript NM_000059.4 (MANE Select); coding-DNA position 886, T replaced by C.
Protein change: p.Tyr296His; replaces tyrosine 296 with histidine.
Molecular consequence: missense variant.
Genome position (GRCh38, 1-based): chr13:32,332,364, T>C. VCF-style: chr13-32332364-T-C. GRCh37 (hg19) VCF-style: chr13-32906501-T-C.
Other names: c.886T>C (NM_000059.3); short protein forms Y296H.
Identifiers: ClinVar variation 1017818 (VCV001017818.13), dbSNP rs1347459118, ClinGen allele CA387760651.

ClinVar aggregate classification (germline): Conflicting classifications of pathogenicity. Review status: criteria provided, conflicting classifications (1 of 4 stars). 4 submissions from 4 submitters: Uncertain significance (2); Likely benign (2). Last evaluated 2024-09-15.

Conditions:
Hereditary cancer-predisposing syndrome. Also called: Tumor predisposition; Neoplastic Syndromes, Hereditary; Hereditary neoplastic syndrome; Hereditary Cancer Syndrome. Identifiers: Orphanet 140162, MedGen C0027672, MeSH D009386, MONDO:0015356.
Hereditary breast ovarian cancer syndrome. Also called: BRCA1- and BRCA2-Associated Hereditary Breast and Ovarian Cancer; Hereditary breast and/or ovarian cancer syndrome; Hereditary breast and ovarian cancer syndrome; Hereditary breast and ovarian cancer; Hereditary breast and ovarian cancer syndrome (HBOC); Breast and ovarian cancer. Identifiers: Orphanet 145, MedGen C0677776, MeSH D061325, MONDO:0003582. Disease mechanism: loss of function.

Allele frequency attached by ClinVar (database versions not stated): gnomAD exomes below 0.00001 and 0.00001.

Submissions (4):

Ambry Genetics
Classification: Likely benign for Hereditary cancer-predisposing syndrome. Last evaluated: 2024-09-15. Review status: criteria provided, single submitter. Criteria: Ambry Variant Classification Scheme 2023. Collection method: clinical testing. Allele origin: germline.

Labcorp Genetics (formerly Invitae), Labcorp
Classification: Uncertain significance for Hereditary breast ovarian cancer syndrome. Last evaluated: 2024-07-21. Review status: criteria provided, single submitter. Criteria: Invitae Variant Classification Sherloc (09022015). Collection method: clinical testing. Allele origin: germline.
Comment: This sequence change replaces tyrosine, which is neutral and polar, with histidine, which is basic and polar, at codon 296 of the BRCA2 protein (p.Tyr296His). This variant is present in population databases (no rsID available, gnomAD 0.006%). This variant has not been reported in the literature in individuals affected with BRCA2-related conditions. ClinVar contains an entry for this variant (Variation ID: 1017818). Advanced modeling of protein sequence and biophysical properties (such as structural, functional, and spatial information, amino acid conservation, physicochemical variation, residue mobility, and thermodynamic stability) performed at Invitae indicates that this missense variant is not expected to disrupt BRCA2 protein function with a negative predictive value of 95%. In summary, the available evidence is currently insufficient to determine the role of this variant in disease. Therefore, it has been classified as a Variant of Uncertain Significance.

Color Diagnostics, LLC DBA Color Health
Classification: Uncertain significance for Hereditary cancer-predisposing syndrome. Last evaluated: 2024-03-07. Review status: criteria provided, single submitter. Criteria: ACMG Guidelines, 2015. Collection method: clinical testing. Allele origin: germline.
Comment: This missense variant replaces tyrosine with histidine at codon 296 of the BRCA2 protein. Computational prediction suggests that this variant may not impact protein structure and function (internally defined REVEL score threshold <= 0.5, PMID: 27666373). To our knowledge, functional studies have not been reported for this variant. This variant has been identified in 1/240702 chromosomes in the general population by the Genome Aggregation Database (gnomAD). The available evidence is insufficient to determine the role of this variant in disease conclusively. Therefore, this variant is classified as a Variant of Uncertain Significance.

University of Washington Department of Laboratory Medicine, University of Washington
Classification: Likely benign for Hereditary cancer-predisposing syndrome. Last evaluated: 2023-03-23. Review status: criteria provided, single submitter. Criteria: Dines et al. (Genet Med. 2020). Collection method: curation. Allele origin: germline.
Comment: Missense variant in a coldspot region where missense variants are very unlikely to be pathogenic (PMID:31911673).

BRCA2 exon 10 coldspot. Reclassification based on statistical prior probability.